The following is an entry in ClinVar:

ClinVar aggregate classification (germline): Likely pathogenic (1 of 4 stars; one submission).

Submission:

Dasa
Classification: Likely pathogenic. Last evaluated: 2026-01-27. Review status: criteria provided, single submitter. Criteria: DASA Assertion Criteria. Collection method: clinical testing. Allele origin: germline.
Comment: NM_000388.4(CASR):c.682G>A (p.Glu228Lys) is a missense variant that results in the substitution of glutamic acid with lysine. The affected residue or protein region has prior evidence supporting clinical relevance. This variant has been reported as a de novo occurrence in an affected individual (PMID: 11136551). Also, this variant is absent from population databases. Based on the currently available evidence, this variant is classified as likely pathogenic.

Literature cited by the submitters: PubMed 11136551.

NM_000388.4(CASR):c.682G>A (p.Glu228Lys)

Gene: CASR (calcium sensing receptor; plus strand). Cytogenetic location: 3q21.1.
Variant type: single nucleotide variant.
Coding change: c.682G>A on transcript NM_000388.4 (MANE Select); coding-DNA position 682, G replaced by A.
Protein change: p.Glu228Lys; replaces glutamic acid 228 with lysine.
Molecular consequence: missense variant.
Genome position (GRCh38, 1-based): chr3:122,261,717, G>A. VCF-style: chr3-122261717-G-A. GRCh37 (hg19) VCF-style: chr3-121980564-G-A.
Other names: c.682G>A, p.Glu228Lys (NM_001178065.2); short protein forms E228K.
Identifiers: ClinVar variation 4885590 (VCV004885590.2).